The following is an entry in ClinVar:

ClinVar aggregate classification (germline): Uncertain significance. Review status: criteria provided, multiple submitters, no conflicts (2 of 4 stars). 3 submissions from 3 submitters: Uncertain significance (3). Last evaluated 2025-08-29.

Conditions:
Inborn genetic diseases. Identifiers: MedGen C0950123, MeSH D030342.

Allele frequency attached by ClinVar (database versions not stated): gnomAD 0.00001.
gnomAD v4.1: 16 of 1,613,408 alleles (0.00099%); highest among the groups gnomAD compares: Non-Finnish European, 0.0011%; no homozygotes.

Submissions (3):

Ambry Genetics
Classification: Uncertain significance for Inborn genetic diseases. Last evaluated: 2025-08-29. Review status: criteria provided, single submitter. Criteria: Ambry Variant Classification Scheme 2023. Collection method: clinical testing. Allele origin: germline.

Blueprint Genetics
Classification: Uncertain significance. Last evaluated: 2024-10-01. Review status: criteria provided, single submitter. Criteria: ACMG Guidelines, 2015. Collection method: clinical testing. Allele origin: germline.

Labcorp Genetics (formerly Invitae), Labcorp
Classification: Uncertain significance. Last evaluated: 2022-02-21. Review status: criteria provided, single submitter. Criteria: Invitae Variant Classification Sherloc (09022015). Collection method: clinical testing. Allele origin: germline.
Comment: In summary, the available evidence is currently insufficient to determine the role of this variant in disease. Therefore, it has been classified as a Variant of Uncertain Significance. Algorithms developed to predict the effect of missense changes on protein structure and function are either unavailable or do not agree on the potential impact of this missense change (SIFT: "Deleterious"; PolyPhen-2: "Benign"; Align-GVGD: "Class C0"). This variant has not been reported in the literature in individuals affected with ARHGEF18-related conditions. This variant is present in population databases (no rsID available, gnomAD no frequency). This sequence change replaces proline, which is neutral and non-polar, with histidine, which is basic and polar, at codon 790 of the ARHGEF18 protein (p.Pro790His).

NM_001367823.1(ARHGEF18):c.2933C>A (p.Pro978His)

Gene: ARHGEF18 (Rho/Rac guanine nucleotide exchange factor 18; plus strand). Cytogenetic location: 19p13.2.
Variant type: single nucleotide variant.
Coding change: c.2933C>A on transcript NM_001367823.1 (MANE Select); coding-DNA position 2933, C replaced by A.
Protein change: p.Pro978His; replaces proline 978 with histidine.
Molecular consequence: missense variant.
Genome position (GRCh38, 1-based): chr19:7,466,946, C>A. VCF-style: chr19-7466946-C-A. GRCh37 (hg19) VCF-style: chr19-7531832-C-A.
Other names: c.2369C>A (NM_001130955.1); c.2207C>A, p.Pro736His (NM_001130955.2); c.1895C>A, p.Pro632His (NM_001367824.1, NM_015318.4); short protein forms P736H, P632H, P978H.
Identifiers: ClinVar variation 1472605 (VCV001472605.10), dbSNP rs764708460, ClinGen allele CA304856034.